The following is an entry in ClinVar:

ClinVar aggregate classification (germline): Uncertain significance (1 of 4 stars; one submission).

Submission:

Labcorp Genetics (formerly Invitae), Labcorp
Classification: Uncertain significance. Last evaluated: 2023-07-12. Review status: criteria provided, single submitter. Criteria: Invitae Variant Classification Sherloc (09022015). Collection method: clinical testing. Allele origin: germline.
Comment: In summary, the available evidence is currently insufficient to determine the role of this variant in disease. Therefore, it has been classified as a Variant of Uncertain Significance. This sequence change replaces aspartic acid, which is acidic and polar, with glycine, which is neutral and non-polar, at codon 226 of the DSG1 protein (p.Asp226Gly). This variant is not present in population databases (gnomAD no frequency). This variant has not been reported in the literature in individuals affected with DSG1-related conditions. Advanced modeling of protein sequence and biophysical properties (such as structural, functional, and spatial information, amino acid conservation, physicochemical variation, residue mobility, and thermodynamic stability) has been performed at Invitae for this missense variant, however the output from this modeling did not meet the statistical confidence thresholds required to predict the impact of this variant on DSG1 protein function.

NM_001942.4(DSG1):c.677A>G (p.Asp226Gly)

Gene: DSG1 (desmoglein 1; plus strand). Cytogenetic location: 18q12.1.
Variant type: single nucleotide variant.
Coding change: c.677A>G on transcript NM_001942.4 (MANE Select); coding-DNA position 677, A replaced by G.
Protein change: p.Asp226Gly; replaces aspartic acid 226 with glycine.
Molecular consequence: missense variant.
Genome position (GRCh38, 1-based): chr18:31,331,860, A>G. VCF-style: chr18-31331860-A-G. GRCh37 (hg19) VCF-style: chr18-28911823-A-G.
Other names: short protein forms D226G.
Identifiers: ClinVar variation 2742304 (VCV002742304.3), dbSNP rs2511046023, ClinGen allele CA402129599.